The following is an entry in ClinVar:

NM_174916.3(UBR1):c.2379+1G>C

Gene: UBR1 (ubiquitin protein ligase E3 component n-recognin 1; minus strand). Cytogenetic location: 15q15.2.
Variant type: single nucleotide variant.
Coding change: c.2379+1G>C on transcript NM_174916.3 (MANE Select); the canonical splice donor site of the intron after coding-DNA position 2379, G replaced by C.
Molecular consequence: splice donor variant.
Genome position (GRCh38, 1-based): chr15:43,029,943, C>G on the plus strand (G>C on the coding strand, the complement: UBR1 is on the minus strand). VCF-style: chr15-43029943-C-G. GRCh37 (hg19) VCF-style: chr15-43322141-C-G.
Identifiers: ClinVar variation 1709455 (VCV001709455.2), dbSNP rs2033232817, ClinGen allele CA392070181.

ClinVar aggregate classification (germline): Pathogenic (1 of 4 stars; one submission).

Conditions:
Johanson-Blizzard syndrome (JBS). Also called: Nasal alar hypoplasia, hypothyroidism, pancreatic achylia and congenital deafness. Identifiers: Orphanet 2315, MedGen C0175692, MONDO:0009479, OMIM 243800.

Allele frequency attached by ClinVar (database versions not stated): gnomAD exomes below 0.00001.
gnomAD v4.1: 1 of 1,614,024 alleles (0.000062%); highest among the groups gnomAD compares: Non-Finnish European, 0.000085%; no homozygotes.

Submission:

MGZ Medical Genetics Center
Classification: Pathogenic for Johanson-Blizzard syndrome. Last evaluated: 2022-05-11. Review status: criteria provided, single submitter. Criteria: ACMG Guidelines, 2015. Collection method: clinical testing. Allele origin: germline. Affected: yes. Observed: 1 variant allele.
Comment: ACMG criteria applied: PVS1, PS4_SUP, PM2_SUP